The following is an entry in ClinVar:

ClinVar aggregate classification (germline): Uncertain significance. Review status: criteria provided, multiple submitters, no conflicts (2 of 4 stars). 2 submissions from 2 submitters: Uncertain significance (2). Last evaluated 2022-07-26.

Conditions:
Asphyxiating thoracic dystrophy 5 (SRTD5). Also called: SHORT-RIB THORACIC DYSPLASIA 5 WITH OR WITHOUT POLYDACTYLY; SHORT-RIB THORACIC DYSPLASIA 5 WITHOUT POLYDACTYLY. Identifiers: Orphanet 474, MedGen C3280598, MONDO:0013717, OMIM 614376.
Senior-Loken syndrome 8 (SLSN8). Identifiers: Orphanet 3156, MedGen C4225376, MONDO:0014579, OMIM 616307.
Cranioectodermal dysplasia 4 (CED4). Identifiers: Orphanet 1515, MedGen C3280616, MONDO:0013719, OMIM 614378.
Spermatogenic failure 72 (SPGF72). Identifiers: MedGen C5676980, MONDO:0030809, OMIM 619867.
Nephronophthisis 13 (NPHP13). Identifiers: Orphanet 655, MedGen C3280612, MONDO:0013718, OMIM 614377.

Allele frequency attached by ClinVar (database versions not stated): gnomAD 0.00001; TOPMed 0.00001.
gnomAD v4.1: 1 of 1,613,312 alleles (0.000062%); highest among the groups gnomAD compares: African/African-American, 0.0013%; no homozygotes.

Submissions (2):

Labcorp Genetics (formerly Invitae), Labcorp
Classification: Uncertain significance for Senior-Loken syndrome 8; Asphyxiating thoracic dystrophy 5. Last evaluated: 2022-07-26. Review status: criteria provided, single submitter. Criteria: Invitae Variant Classification Sherloc (09022015). Collection method: clinical testing. Allele origin: germline.
Comment: In summary, the available evidence is currently insufficient to determine the role of this variant in disease. Therefore, it has been classified as a Variant of Uncertain Significance. Algorithms developed to predict the effect of sequence changes on RNA splicing suggest that this variant may create or strengthen a splice site. Algorithms developed to predict the effect of missense changes on protein structure and function (SIFT, PolyPhen-2, Align-GVGD) all suggest that this variant is likely to be disruptive. ClinVar contains an entry for this variant (Variation ID: 542762). This missense change has been observed in individual(s) with clinical features of WDR19-related conditions (Invitae). This variant is not present in population databases (gnomAD no frequency). This sequence change replaces cysteine, which is neutral and slightly polar, with serine, which is neutral and polar, at codon 1270 of the WDR19 protein (p.Cys1270Ser).

Fulgent Genetics
Classification: Uncertain significance for Asphyxiating thoracic dystrophy 5; Nephronophthisis 13; Cranioectodermal dysplasia 4; Senior-Loken syndrome 8; Spermatogenic failure 72. Last evaluated: 2022-02-04. Review status: criteria provided, single submitter. Criteria: ACMG Guidelines, 2015. Collection method: clinical testing. Allele origin: unknown.

NM_025132.4(WDR19):c.3808T>A (p.Cys1270Ser)

Gene: WDR19 (WD repeat domain 19; plus strand). Cytogenetic location: 4p14.
Variant type: single nucleotide variant.
Coding change: c.3808T>A on transcript NM_025132.4 (MANE Select); coding-DNA position 3808, T replaced by A.
Protein change: p.Cys1270Ser; replaces cysteine 1270 with serine.
Molecular consequence: missense variant.
Genome position (GRCh38, 1-based): chr4:39,277,111, T>A. VCF-style: chr4-39277111-T-A. GRCh37 (hg19) VCF-style: chr4-39278731-T-A.
Other names: c.3328T>A, p.Cys1110Ser (NM_001317924.2); short protein forms C1270S, C1110S.
Identifiers: ClinVar variation 542762 (VCV000542762.9), dbSNP rs1035768119, ClinGen allele CA95704883.